The following is an entry in ClinVar:

ClinVar aggregate classification (germline): Uncertain significance (1 of 4 stars; one submission).

Allele frequency attached by ClinVar (database versions not stated): gnomAD exomes 0.00001 and 0.00004; TOPMed 0.00001; ExAC 0.00006; ESP Exome Variant Server 0.00008.
gnomAD v4.1: 21 of 1,613,386 alleles (0.0013%); highest among the groups gnomAD compares: East Asian, 0.013%; no homozygotes.

Submission:

Labcorp Genetics (formerly Invitae), Labcorp
Classification: Uncertain significance. Last evaluated: 2021-12-28. Review status: criteria provided, single submitter. Criteria: Invitae Variant Classification Sherloc (09022015). Collection method: clinical testing. Allele origin: germline.
Comment: This sequence change replaces tyrosine, which is neutral and polar, with cysteine, which is neutral and slightly polar, at codon 506 of the HPS3 protein (p.Tyr506Cys). This variant is present in population databases (rs375394383, gnomAD 0.04%). This variant has not been reported in the literature in individuals affected with HPS3-related conditions. Algorithms developed to predict the effect of missense changes on protein structure and function are either unavailable or do not agree on the potential impact of this missense change (SIFT: "Deleterious"; PolyPhen-2: "Possibly Damaging"; Align-GVGD: "Class C0"). In summary, the available evidence is currently insufficient to determine the role of this variant in disease. Therefore, it has been classified as a Variant of Uncertain Significance.

NM_032383.5(HPS3):c.1517A>G (p.Tyr506Cys)

Gene: HPS3 (HPS3 biogenesis of lysosomal organelles complex 2 subunit 1; plus strand). Cytogenetic location: 3q24.
Variant type: single nucleotide variant.
Coding change: c.1517A>G on transcript NM_032383.5 (MANE Select); coding-DNA position 1517, A replaced by G.
Protein change: p.Tyr506Cys; replaces tyrosine 506 with cysteine.
Molecular consequence: missense variant.
Genome position (GRCh38, 1-based): chr3:149,157,357, A>G. VCF-style: chr3-149157357-A-G. GRCh37 (hg19) VCF-style: chr3-148875144-A-G.
Other names: c.1022A>G, p.Tyr341Cys (NM_001308258.2); short protein forms Y506C, Y341C.
Identifiers: ClinVar variation 1441359 (VCV001441359.3), dbSNP rs375394383, ClinGen allele CA2660120.
Genomic context (GRCh38, chr3:149,157,357, plus strand): 5'-GAACTTTTGAGAGTCTCTCTTCAGCAACATTAGTGTTTGTCTTTTTTGTTTAGGTAGACT[A>G]TAGCAATACCTATAAGACTGTCAAAACCCAGAGCTGCATTCACCTTCTCAGTGAGGCTCA-3'
Protein context (NP_115759.2, residues 496-516): PVQLYKEMVD[Tyr506Cys]SNTYKTVKTQ